The following is an entry in ClinVar:

NC_000012.11:g.(?_122692214)_(122693125_122701034)dup

Gene: DIABLO (diablo IAP-binding mitochondrial protein; minus strand). Cytogenetic location: 12q24.31.
Variant type: Duplication.
Identifiers: ClinVar variation 4688908 (VCV004688908.1).

ClinVar aggregate classification (germline): Uncertain significance (1 of 4 stars; one submission).

Submission:

Women's Health and Genetics/Laboratory Corporation of America, LabCorp
Classification: Uncertain significance. Last evaluated: 2025-12-22. Review status: criteria provided, single submitter. Criteria: LabCorp Variant Classification Summary - May 2015. Collection method: clinical testing. Allele origin: germline.
Comment: Variant summary: The variant involves the duplication of exon 7 in the DIABLO gene. A presumed nomenclature of c.(523+1_524-1)_(*714_?)dup has been designated for the purposes of this classification. The exact breakpoint at the 3' end of this variant is unknown, therefore this duplication may extend downstream of the annotated region of the gene. As it duplicates the termination codon, its effect on the encoded protein is unknown. A structural variant involving the duplication of exon 7 together with a large DNA segment extending downstream of the gene (position hg19 chr12:122656479-122693597; Size: ~37 kbp) was found at a frequency of 1.7e-05 in 462883 control chromosomes in the gnomAD database (CNVs v4.1 dataset). The available data on variant occurrences in the general population are insufficient to allow any conclusion about variant significance. To our knowledge, no occurrence of c.(523+1_524-1)_(*714_?)dup in individuals affected with DIABLO-related conditions and no experimental evidence demonstrating its impact on protein function have been reported. ClinVar contains an entry for this variant (Variation ID: 3244430). Based on the evidence outlined above, the variant was classified as uncertain significance.